The following is an entry in ClinVar:

NM_001127198.5(TMC6):c.2095C>G (p.Arg699Gly)

Gene: TMC6 (transmembrane channel like 6; minus strand). Cytogenetic location: 17q25.3.
Variant type: single nucleotide variant.
Coding change: c.2095C>G on transcript NM_001127198.5 (MANE Select); coding-DNA position 2095, C replaced by G.
Protein change: p.Arg699Gly; replaces arginine 699 with glycine.
Molecular consequence: missense variant. On other transcripts: non-coding transcript variant (4).
Genome position (GRCh38, 1-based): chr17:78,117,571, G>C on the plus strand (C>G on the coding strand, the complement: TMC6 is on the minus strand). VCF-style: chr17-78117571-G-C. GRCh37 (hg19) VCF-style: chr17-76113652-G-C.
Other names: c.2095C>G, p.Arg699Gly (NM_001321185.1, NM_001374596.1, NM_001375353.1 and 2 more transcripts); c.1915C>G, p.Arg639Gly (NM_001374593.1, NM_001374594.1); short protein forms R639G, R699G.
Identifiers: ClinVar variation 2069597 (VCV002069597.2), dbSNP rs375980611, ClinGen allele CA401225373.
Genomic context (GRCh38, chr17:78,117,571, plus strand): 5'-TCAGGTACCGGTGCACCCAGGGCAGCCAGGAGACCCTGGGGCCTGCCGCCTCCAGGTGGC[G>C]CACCCACACCCTGCCGGCCTCGTACATGGTGTCCAGGGTCCGGAAGGGGCCGCAGGTGCT-3'
Protein context (NP_001120670.1, residues 689-709): TMYEAGRVWV[Arg699Gly]HLEAAGPRVS

ClinVar aggregate classification (germline): Uncertain significance. Review status: criteria provided, multiple submitters, no conflicts (2 of 4 stars). 2 submissions from 2 submitters: Uncertain significance (2). Last evaluated 2025-11-26.

Conditions:
Epidermodysplasia verruciformis. Identifiers: Orphanet 302, MedGen C0014522, MONDO:0009176.
Inborn genetic diseases. Identifiers: MedGen C0950123, MeSH D030342.

gnomAD v4.1: 15 of 1,589,782 alleles (0.00094%); highest among the groups gnomAD compares: Admixed American, 0.023%; no homozygotes.

Submissions (2):

Ambry Genetics
Classification: Uncertain significance for Inborn genetic diseases. Last evaluated: 2025-11-26. Review status: criteria provided, single submitter. Criteria: Ambry Variant Classification Scheme 2023. Collection method: clinical testing. Allele origin: germline.

Labcorp Genetics (formerly Invitae), Labcorp
Classification: Uncertain significance for Epidermodysplasia verruciformis. Last evaluated: 2022-06-17. Review status: criteria provided, single submitter. Criteria: Invitae Variant Classification Sherloc (09022015). Collection method: clinical testing. Allele origin: germline.
Comment: This sequence change replaces arginine, which is basic and polar, with glycine, which is neutral and non-polar, at codon 699 of the TMC6 protein (p.Arg699Gly). This variant is present in population databases (no rsID available, gnomAD 0.02%). This variant has not been reported in the literature in individuals affected with TMC6-related conditions. Algorithms developed to predict the effect of missense changes on protein structure and function are either unavailable or do not agree on the potential impact of this missense change (SIFT: "Not Available"; PolyPhen-2: "Benign"; Align-GVGD: "Not Available"). In summary, the available evidence is currently insufficient to determine the role of this variant in disease. Therefore, it has been classified as a Variant of Uncertain Significance.